The following is an entry in ClinVar:

ClinVar aggregate classification (germline): Benign/Likely benign. Review status: criteria provided, multiple submitters, no conflicts (2 of 4 stars). 3 submissions from 3 submitters: Benign (1); Likely benign (2). Last evaluated 2026-01-11.

Allele frequency attached by ClinVar (database versions not stated): gnomAD 0.00011 and 0.00013; gnomAD exomes 0.00012 and 0.00023; TOPMed 0.00017; ExAC 0.00023; 1000 Genomes Project 0.00040; 1000 Genomes Project 30x 0.00047.

Submissions (3):

Labcorp Genetics (formerly Invitae), Labcorp
Classification: Benign. Last evaluated: 2026-01-11. Review status: criteria provided, single submitter. Criteria: Invitae Variant Classification Sherloc (09022015). Collection method: clinical testing. Allele origin: germline.

Blueprint Genetics
Classification: Likely benign. Last evaluated: 2024-06-17. Review status: criteria provided, single submitter. Criteria: ACMG Guidelines, 2015. Collection method: clinical testing. Allele origin: germline.

GeneDx
Classification: Likely benign. Last evaluated: 2017-05-12. Review status: criteria provided, single submitter. Criteria: GeneDx Variant Classification (06012015). Collection method: clinical testing. Allele origin: germline. Affected: yes.
Comment: This variant is considered likely benign or benign based on one or more of the following criteria: it is a conservative change, it occurs at a poorly conserved position in the protein, it is predicted to be benign by multiple in silico algorithms, and/or has population frequency not consistent with disease.

NM_024120.5(NDUFAF5):c.618G>A (p.Thr206=)

Gene: NDUFAF5 (NADH:ubiquinone oxidoreductase complex assembly factor 5; plus strand). Cytogenetic location: 20p12.1.
Variant type: single nucleotide variant.
Coding change: c.618G>A on transcript NM_024120.5 (MANE Select); coding-DNA position 618, G replaced by A.
Protein change: p.Thr206=; no amino-acid change (threonine 206 retained).
Molecular consequence: synonymous variant. On other transcripts: non-coding transcript variant (7).
Genome position (GRCh38, 1-based): chr20:13,801,584, G>A. VCF-style: chr20-13801584-G-A. GRCh37 (hg19) VCF-style: chr20-13782230-G-A.
Other names: c.534G>A, p.Thr178= (NM_001039375.3); c.147G>A, p.Thr49= (NM_001352403.2); c.57G>A, p.Thr19= (NM_001352406.2, NM_001352407.2); c.618G>A, p.Thr206= (NM_001352408.2).
Identifiers: ClinVar variation 509281 (VCV000509281.13), dbSNP rs191895671, ClinGen allele CA9767828.